The following is an entry in ClinVar:

ClinVar aggregate classification (germline): Benign (0 of 4 stars; one submission).

Conditions:
EPPK1-related disorder. Also called: EPPK1-related condition.

Allele frequency attached by ClinVar (database versions not stated): 1000 Genomes Project 30x 0.07808; 1000 Genomes Project 0.07947; TOPMed 0.10507; ESP Exome Variant Server 0.11841.
gnomAD v4.1: 232,308 of 1,612,758 alleles (14%); highest among the groups gnomAD compares: Non-Finnish European, 16%; 18,324 homozygotes.

Submission:

PreventionGenetics, part of Exact Sciences
Classification: Benign for EPPK1-related condition. Last evaluated: 2021-04-12. Review status: no assertion criteria provided. Collection method: clinical testing. Allele origin: germline.
Comment: This variant is classified as benign based on ACMG/AMP sequence variant interpretation guidelines (Richards et al. 2015 PMID: 25741868, with internal and published modifications).

NM_031308.4(EPPK1):c.6643C>T (p.Arg2215Cys)

Gene: EPPK1 (epiplakin 1; minus strand). Cytogenetic location: 8q24.3.
Variant type: single nucleotide variant.
Coding change: c.6643C>T on transcript NM_031308.4 (MANE Select); coding-DNA position 6643, C replaced by T.
Protein change: p.Arg2215Cys; replaces arginine 2215 with cysteine.
Molecular consequence: missense variant.
Genome position (GRCh38, 1-based): chr8:143,866,611, G>A on the plus strand (C>T on the coding strand, the complement: EPPK1 is on the minus strand). VCF-style: chr8-143866611-G-A. GRCh37 (hg19) VCF-style: chr8-144940779-G-A.
Other names: short protein forms R2215C.
Identifiers: ClinVar variation 3034684 (VCV003034684.2), dbSNP rs11781942, ClinGen allele CA4921615.
Genomic context (GRCh38, chr8:143,866,611, plus strand): 5'-CCTTGGCGGGCACCAGGACGCCCGCGATGCAGCTGGTGCCCTCCAGGTAGCGCTTGACGC[G>A]GTCGTCCTCCATGAGCTCTTGCGTCGTGCTCCGTCCCGTTTCCAGGTCCTGGAGCATTTC-3'
Protein context (NP_112598.3, residues 2205-2225): STTQELMEDD[Arg2215Cys]VKRYLEGTSC